The following is an entry in ClinVar:

NM_013275.6(ANKRD11):c.2329_2332del (p.Glu777fs)

Gene: ANKRD11 (ankyrin repeat domain 11; minus strand). Cytogenetic location: 16q24.3.
Variant type: Deletion.
Coding change: c.2329_2332del on transcript NM_013275.6 (MANE Select); coding-DNA positions 2329 to 2332, 4 bases deleted (GAGA; older notation c.2329_2332delGAGA).
Protein change: p.Glu777fs; shifts the reading frame from glutamic acid 777.
Molecular consequence: frameshift variant.
Genome position (GRCh38, 1-based): chr16:89,284,210-89,284,213, TCTC deleted on the plus strand (GAGA on the coding strand, the reverse complement: ANKRD11 is on the minus strand); deleting any 4 consecutive bases within chr16:89,284,210-89,284,214 gives the same sequence; the c. name uses the placement nearest the transcript's 3' end. VCF-style (leftmost placement, unchanged base first): chr16-89284209-TTCTC-T. GRCh37 (hg19) VCF-style: chr16-89350617-TTCTC-T.
Other names: c.2329_2332delGAGA (NM_013275.6); c.2329_2332del, p.Glu777fs (NM_001256182.2, NM_001256183.2); short protein forms E777fs.
Identifiers: ClinVar variation 987422 (VCV000987422.5), dbSNP rs2034485034, ClinGen allele CA1139664887.

ClinVar aggregate classification (germline): Pathogenic. Review status: criteria provided, multiple submitters, no conflicts (2 of 4 stars). 4 submissions from 4 submitters: Pathogenic (4). Last evaluated 2025-03-17.

Conditions:
KBG syndrome (KBGS). Also called: ANKRD11-Related KBG Syndrome. Identifiers: Orphanet 2332, MedGen C0220687, MONDO:0007846, OMIM 148050.

Submissions (4):

Variantyx, Inc.
Classification: Pathogenic for KBG syndrome. Last evaluated: 2025-03-17. Review status: criteria provided, single submitter. Criteria: Variantyx Assertion Criteria 2022. Collection method: clinical testing. Allele origin: de novo. Affected: yes.
Comment: This is a frameshift variant in the ANKRD11 gene (OMIM: 611192). Pathogenic variants in this gene have been associated with autosomal dominant KBG syndrome. This variant introduces a premature termination codon in exon 9 out of 13. It is expected to result in loss of function, which is a known disease mechanism for ANKRD11 in this disorder (PMID: 8422132, 35330407, 21782149) (PVS1). This variant has been reported in at least 3 unrelated affected individual(s) (PMID: 35970914, 37226940, 37964495) (PS4_Moderate). This variant has a 0.0003% maximum allele frequency in non-founder control populations (PM2_Supporting). Based on the current evidence, this variant is classified as pathogenic for autosomal dominant KBG syndrome.

Genetics and Molecular Pathology, SA Pathology
Classification: Pathogenic for KBG syndrome. Last evaluated: 2023-06-13. Review status: criteria provided, single submitter. Criteria: ACMG Guidelines, 2015. Collection method: clinical testing. Allele origin: germline. Inheritance: Autosomal dominant inheritance. Affected: yes.
Comment: The ANKRD11 c.2329_2332del variant is classified as Pathogenic (PVS1, PS4_Supporting, PM2) This ANKRD11 c.2329_2332del variant is located in exon 9/13 and is predicted to cause a shift in the reading frame at codon 777, leading to the introduction of a premature stop codon (PVS1). The variant has been reported once in a proband with a clinical presentation of KBG Syndrome (PMID:35970914) (PS4_Supporting). This variant is absent from population databases (PM2). The variant has been reported in the HGMD database: CD2216935 and has been reported as Pathogenic by other diagnostic laboratories (ClinVar Variation ID: 987422). It has not been reported in dbSNP.

Institute of Medical Genetics and Applied Genomics, University Hospital Tübingen
Classification: Pathogenic. Last evaluated: 2020-10-23. Review status: criteria provided, single submitter. Criteria: ACMG Guidelines, 2015. Collection method: clinical testing. Allele origin: germline. Inheritance: Autosomal dominant inheritance. Affected: yes.

Genome Medicine, Institute for Basic Research in Developmental Disabilities
Classification: Pathogenic for KBG syndrome. Review status: criteria provided, single submitter. Criteria: ACMG Guidelines, 2015. Collection method: clinical testing. Allele origin: unknown. Affected: yes. Observed: 1 variant allele.

Literature cited by the submitters: PubMed 35970914 (cited by Genetics and Molecular Pathology, SA Pathology and Genome Medicine, Institute for Basic Research in Developmental Disabilities).